The following is an entry in ClinVar:

ClinVar aggregate classification (germline): Uncertain significance. Review status: criteria provided, multiple submitters, no conflicts (2 of 4 stars). 2 submissions from 2 submitters: Uncertain significance (2). Last evaluated 2025-03-28.

Conditions:
Hereditary cancer-predisposing syndrome. Also called: Neoplastic Syndromes, Hereditary; Hereditary Cancer Syndrome; Hereditary neoplastic syndrome; Tumor predisposition. Identifiers: Orphanet 140162, MedGen C0027672, MeSH D009386, MONDO:0015356.

Allele frequency attached by ClinVar (database versions not stated): gnomAD exomes below 0.00001.
gnomAD v4.1: 1 of 1,613,948 alleles (0.000062%); highest among the groups gnomAD compares: Non-Finnish European, 0.000085%; no homozygotes.

Submissions (2):

Ambry Genetics
Classification: Uncertain significance for Hereditary cancer-predisposing syndrome. Last evaluated: 2025-03-28. Review status: criteria provided, single submitter. Criteria: Ambry Variant Classification Scheme 2023. Collection method: clinical testing. Allele origin: germline.
Comment: The p.T1263I variant (also known as c.3788C>T), located in coding exon 30 of the POLE gene, results from a C to T substitution at nucleotide position 3788. The threonine at codon 1263 is replaced by isoleucine, an amino acid with similar properties. This amino acid position is well conserved in available vertebrate species. In addition, this alteration is predicted to be tolerated by in silico analysis. Based on the available evidence, the clinical significance of this variant remains unclear.

Labcorp Genetics (formerly Invitae), Labcorp
Classification: Uncertain significance. Last evaluated: 2024-01-25. Review status: criteria provided, single submitter. Criteria: Invitae Variant Classification Sherloc (09022015). Collection method: clinical testing. Allele origin: germline.
Comment: This sequence change replaces threonine, which is neutral and polar, with isoleucine, which is neutral and non-polar, at codon 1263 of the POLE protein (p.Thr1263Ile). This variant is not present in population databases (gnomAD no frequency). This variant has not been reported in the literature in individuals affected with POLE-related conditions. ClinVar contains an entry for this variant (Variation ID: 540739). Advanced modeling of protein sequence and biophysical properties (such as structural, functional, and spatial information, amino acid conservation, physicochemical variation, residue mobility, and thermodynamic stability) performed at Invitae indicates that this missense variant is not expected to disrupt POLE protein function with a negative predictive value of 80%. In summary, the available evidence is currently insufficient to determine the role of this variant in disease. Therefore, it has been classified as a Variant of Uncertain Significance.

NM_006231.4(POLE):c.3788C>T (p.Thr1263Ile)

Gene: POLE (DNA polymerase epsilon, catalytic subunit; minus strand). Cytogenetic location: 12q24.33.
Variant type: single nucleotide variant.
Coding change: c.3788C>T on transcript NM_006231.4 (MANE Select); coding-DNA position 3788, C replaced by T.
Protein change: p.Thr1263Ile; replaces threonine 1263 with isoleucine.
Molecular consequence: missense variant.
Genome position (GRCh38, 1-based): chr12:132,649,684, G>A on the plus strand (C>T on the coding strand, the complement: POLE is on the minus strand). VCF-style: chr12-132649684-G-A. GRCh37 (hg19) VCF-style: chr12-133226270-G-A.
Other names: c.3788C>T (NM_006231.2); short protein forms T1263I.
Identifiers: ClinVar variation 540739 (VCV000540739.9), dbSNP rs1555224039, ClinGen allele CA387385910.